The following is an entry in ClinVar:

ClinVar aggregate classification (germline): Uncertain significance (1 of 4 stars; one submission).

Allele frequency attached by ClinVar (database versions not stated): gnomAD 0.00001; TOPMed 0.00001; gnomAD exomes 0.00004.
gnomAD v4.1: 3 of 209,902 alleles (0.0014%); highest among the groups gnomAD compares: Non-Finnish European, 0.0029%; no homozygotes.

Submission:

GeneDx
Classification: Uncertain significance. Last evaluated: 2026-03-26. Review status: criteria provided, single submitter. Criteria: GeneDx Variant Classification Process June 2021. Collection method: clinical testing. Allele origin: germline. Affected: yes.
Comment: Nucleotide is not conserved across species and the substitution has no predicted effect on splicing; No data available from control populations to assess the frequency of this variant; Located in a regulatory region; in the absence of functional studies, the actual effect of this sequence change is unknown; Has not been previously published as pathogenic or benign to our knowledge

NM_003239.5(TGFB3):c.*505G>A

Gene: TGFB3 (transforming growth factor beta 3; minus strand). Cytogenetic location: 14q24.3.
Variant type: single nucleotide variant.
Coding change: c.*505G>A on transcript NM_003239.5 (MANE Select); 505 bases downstream of the stop codon, G replaced by A.
Molecular consequence: 3 prime UTR variant.
Genome position (GRCh38, 1-based): chr14:75,958,682, C>T on the plus strand (G>A on the coding strand, the complement: TGFB3 is on the minus strand). VCF-style: chr14-75958682-C-T. GRCh37 (hg19) VCF-style: chr14-76425025-C-T.
Other names: c.*505G>A (NM_001329939.2).
Identifiers: ClinVar variation 1707185 (VCV001707185.6), dbSNP rs886050793, ClinGen allele CA10646214.